The following is an entry in ClinVar:

NM_003000.3(SDHB):c.423+2T>C

Gene: SDHB (succinate dehydrogenase complex iron sulfur subunit B; minus strand). Cytogenetic location: 1p36.13.
Variant type: single nucleotide variant.
Coding change: c.423+2T>C on transcript NM_003000.3 (MANE Select); the canonical splice donor site of the intron after coding-DNA position 423, T replaced by C.
Molecular consequence: splice donor variant. On other transcripts: intron variant (1).
Genome position (GRCh38, 1-based): chr1:17,028,598, A>G on the plus strand (T>C on the coding strand, the complement: SDHB is on the minus strand). VCF-style: chr1-17028598-A-G. GRCh37 (hg19) VCF-style: chr1-17355093-A-G.
Other names: c.369+56T>C (NM_001407361.1); c.423+2T>C (NM_003000.2).
Identifiers: ClinVar variation 3904700 (VCV003904700.3).

ClinVar aggregate classification (germline): Pathogenic/Likely pathogenic. Review status: criteria provided, multiple submitters, no conflicts (2 of 4 stars). 2 submissions from 2 submitters: Pathogenic (1); Likely pathogenic (1). Last evaluated 2026-07-01.

Conditions:
Pheochromocytoma/paraganglioma syndrome 4. Also called: CAROTID BODY TUMORS AND MULTIPLE EXTRAADRENAL PHEOCHROMOCYTOMAS; PARAGANGLIOMA, FAMILIAL MALIGNANT; PARAGANGLIOMAS, HEREDITARY EXTRAADRENAL; PHEOCHROMOCYTOMA, FAMILIAL EXTRAADRENAL; Paragangliomas 4; SDHB-Related Hereditary Paraganglioma-Pheochromocytoma Syndrome (Paragangliomas 4). Identifiers: Orphanet 29072, MedGen C1861848, MONDO:0007273, OMIM 115310.
Hereditary cancer-predisposing syndrome. Also called: Hereditary Cancer Syndrome; Hereditary neoplastic syndrome; Neoplastic Syndromes, Hereditary; Tumor predisposition. Identifiers: Orphanet 140162, MedGen C0027672, MeSH D009386, MONDO:0015356.

Submissions (2):

Ambry Genetics
Classification: Likely pathogenic for Hereditary cancer-predisposing syndrome. Last evaluated: 2026-07-01. Review status: criteria provided, single submitter. Criteria: Ambry Variant Classification Scheme 2023. Collection method: clinical testing. Allele origin: germline.
Comment: The c.423+2T>C intronic variant results from a T to C substitution two nucleotides after coding exon 4 in the SDHB gene. This nucleotide position is highly conserved in available vertebrate species. In silico splice site analysis predicts that this alteration will weaken the native splice donor site. RNA studies have demonstrated that this variant results in abnormal splicing in the set of samples tested (Ambry internal data). Based on the majority of available evidence to date, this variant is likely to be pathogenic.

Myriad Genetics, Inc.
Classification: Pathogenic for Pheochromocytoma/paraganglioma syndrome 4. Last evaluated: 2025-01-16. Review status: criteria provided, single submitter. Criteria: Myriad Autosomal Dominant, Autosomal Recessive and X-Linked Classification Criteria (2023). Collection method: clinical testing. Allele origin: unknown.
Comment: This variant is considered pathogenic. This variant occurs within a consensus splice junction and is predicted to result in abnormal mRNA splicing of either an out-of-frame exon or an in-frame exon necessary for protein stability and/or normal function. mRNA analysis has demonstrated abnormal mRNA splicing occurs [PMID: 16405730]. This variant has been reported in multiple individuals with clinical features of gene-specific disease [PMID: 30050099, 28070496, 27011036, 26259135].

Literature cited by the submitters: PubMed 16405730 (cited by Myriad Genetics, Inc.); PubMed 30050099 (cited by Myriad Genetics, Inc.); PubMed 28070496 (cited by Myriad Genetics, Inc.); PubMed 27011036 (cited by Myriad Genetics, Inc.); PubMed 26259135 (cited by Myriad Genetics, Inc.).